The following is an entry in ClinVar:

NM_001379500.1(COL18A1):c.1258G>A (p.Gly420Arg)

Gene: COL18A1 (collagen type XVIII alpha 1 chain; plus strand). Cytogenetic location: 21q22.3.
Variant type: single nucleotide variant.
Coding change: c.1258G>A on transcript NM_001379500.1 (MANE Select); coding-DNA position 1258, G replaced by A.
Protein change: p.Gly420Arg; replaces glycine 420 with arginine.
Molecular consequence: missense variant.
Genome position (GRCh38, 1-based): chr21:45,479,911, G>A. VCF-style: chr21-45479911-G-A. GRCh37 (hg19) VCF-style: chr21-46899825-G-A.
Other names: NM_130445.2:c.1258G>A; c.1798G>A, p.Gly600Arg (NM_030582.4); c.2503G>A, p.Gly835Arg (NM_130444.3); short protein forms G835R, G600R, G420R.
Identifiers: ClinVar variation 1370105 (VCV001370105.7), dbSNP rs771294144, ClinGen allele CA10066211.

ClinVar aggregate classification (germline): Uncertain significance. Review status: criteria provided, multiple submitters, no conflicts (2 of 4 stars). 2 submissions from 2 submitters: Uncertain significance (2). Last evaluated 2025-11-20.

Conditions:
Inborn genetic diseases. Identifiers: MedGen C0950123, MeSH D030342.

Allele frequency attached by ClinVar (database versions not stated): gnomAD exomes 0.00001; gnomAD 0.00003; TOPMed 0.00005.
gnomAD v4.1: 21 of 1,613,592 alleles (0.0013%); highest among the groups gnomAD compares: African/African-American, 0.0027%; no homozygotes.

Submissions (2):

Ambry Genetics
Classification: Uncertain significance for Inborn genetic diseases. Last evaluated: 2025-11-20. Review status: criteria provided, single submitter. Criteria: Ambry Variant Classification Scheme 2023. Collection method: clinical testing. Allele origin: germline.
Comment: The c.1258G>A (p.G420R) alteration is located in exon 10 (coding exon 10) of the COL18A1 gene. This alteration results from a G to A substitution at nucleotide position 1258, causing the glycine (G) at amino acid position 420 to be replaced by an arginine (R). Based on data from gnomAD, the A allele has an overall frequency of 0.001% (3/248894) total alleles studied. The highest observed frequency was 0.017% (1/6058) of Other alleles. Based on insufficient or conflicting evidence, the clinical significance of this alteration remains unclear.

Labcorp Genetics (formerly Invitae), Labcorp
Classification: Uncertain significance. Last evaluated: 2025-06-16. Review status: criteria provided, single submitter. Criteria: Invitae Variant Classification Sherloc (09022015). Collection method: clinical testing. Allele origin: germline.
Comment: This sequence change replaces glycine, which is neutral and non-polar, with arginine, which is basic and polar, at codon 420 of the COL18A1 protein (p.Gly420Arg). This variant is present in population databases (rs771294144, gnomAD 0.007%). This variant has not been reported in the literature in individuals affected with COL18A1-related conditions. ClinVar contains an entry for this variant (Variation ID: 1370105). Experimental studies and prediction algorithms are not available or were not evaluated, and the functional significance of this variant is currently unknown. In summary, the available evidence is currently insufficient to determine the role of this variant in disease. Therefore, it has been classified as a Variant of Uncertain Significance.